The following is an entry in ClinVar:

NM_001042432.2(CLN3):c.375-2A>G

Gene: CLN3 (CLN3 lysosomal/endosomal transmembrane protein, battenin; minus strand). Cytogenetic location: 16p12.1.
Variant type: single nucleotide variant.
Coding change: c.375-2A>G on transcript NM_001042432.2 (MANE Select); the canonical splice acceptor site of the intron before coding-DNA position 375, A replaced by G.
Molecular consequence: splice acceptor variant.
Genome position (GRCh38, 1-based): chr16:28,487,543, T>C on the plus strand (A>G on the coding strand, the complement: CLN3 is on the minus strand). VCF-style: chr16-28487543-T-C. GRCh37 (hg19) VCF-style: chr16-28498864-T-C.
Other names: c.141-2A>G (NM_001286109.2); c.303-2A>G (NM_001286104.2); c.75-2A>G (NM_001286105.2); c.213-2A>G (NM_001286110.2); c.375-2A>G (NM_000086.2).
Identifiers: ClinVar variation 4817057 (VCV004817057.1).

ClinVar aggregate classification (germline): Likely pathogenic (1 of 4 stars; one submission).

Conditions:
Juvenile neuronal ceroid lipofuscinosis. Also called: Batten Disease. Identifiers: Orphanet 79264, MedGen CN293564, MONDO:0019262.

Submission:

Natera, Inc.
Classification: Likely pathogenic for Batten Disease. Last evaluated: 2024-08-18. Review status: criteria provided, single submitter. Criteria: Natera Variant Classification Schema (03/2026). Collection method: clinical testing. Allele origin: germline.
Comment: The c.375-2A>G variant in CLN3 is a canonical splice acceptor site variant predicted to affect pre-mRNA splicing, which may result in an abnormal transcript and altered protein product. This variant is expected to result in nonsense mediated decay, truncation, or a dysfunctional protein product. This variant is rare in the general population with a frequency below the threshold expected for the associated phenotype(s). Given the available evidence, this variant is classified as Likely Pathogenic.